The following is an entry in ClinVar:

ClinVar aggregate classification (germline): Uncertain significance (1 of 4 stars; one submission).

Conditions:
Inborn genetic diseases. Identifiers: MedGen C0950123, MeSH D030342.

Submission:

Ambry Genetics
Classification: Uncertain significance for Inborn genetic diseases. Last evaluated: 2024-12-04. Review status: criteria provided, single submitter. Criteria: Ambry Variant Classification Scheme 2023. Collection method: clinical testing. Allele origin: germline.
Comment: The p.E345A variant (also known as c.1034A>C), located in coding exon 12 of the FANCA gene, results from an A to C substitution at nucleotide position 1034. The glutamic acid at codon 345 is replaced by alanine, an amino acid with dissimilar properties. This amino acid position is conserved. In addition, this alteration is predicted to be tolerated by in silico analysis. Based on the available evidence, the clinical significance of this variant remains unclear.

NM_000135.4(FANCA):c.1034A>C (p.Glu345Ala)

Gene: FANCA (FA complementation group A; minus strand). Cytogenetic location: 16q24.3.
Variant type: single nucleotide variant.
Coding change: c.1034A>C on transcript NM_000135.4 (MANE Select); coding-DNA position 1034, A replaced by C.
Protein change: p.Glu345Ala; replaces glutamic acid 345 with alanine.
Molecular consequence: missense variant.
Genome position (GRCh38, 1-based): chr16:89,792,520, T>G on the plus strand (A>C on the coding strand, the complement: FANCA is on the minus strand). VCF-style: chr16-89792520-T-G. GRCh37 (hg19) VCF-style: chr16-89858928-T-G.
Other names: c.1034A>C, p.Glu345Ala (NM_001286167.3); short protein forms E345A.
Identifiers: ClinVar variation 3512711 (VCV003512711.1).